The following is an entry in ClinVar:

NM_001291303.3(FAT4):c.12822+28T>G

Gene: FAT4 (FAT atypical cadherin 4; plus strand). Cytogenetic location: 4q28.1.
Variant type: single nucleotide variant.
Coding change: c.12822+28T>G on transcript NM_001291303.3 (MANE Select); 28 bases into the intron after coding-DNA position 12822, T replaced by G.
Molecular consequence: intron variant.
Genome position (GRCh38, 1-based): chr4:125,481,766, T>G. VCF-style: chr4-125481766-T-G. GRCh37 (hg19) VCF-style: chr4-126402921-T-G.
Other names: p.?; c.12822+28T>G (NM_001291285.3); c.12816+28T>G (NM_024582.6).
Identifiers: ClinVar variation 680154 (VCV000680154.7), dbSNP rs11098815, ClinGen allele CA3074190.

ClinVar aggregate classification (germline): Benign. Review status: criteria provided, multiple submitters, no conflicts (2 of 4 stars). 6 submissions from 5 submitters: Benign (6). Last evaluated 2024-01-24.

Conditions:
Van Maldergem syndrome 2 (VMLDS2). Identifiers: Orphanet 314679, MedGen C3809875, MONDO:0014242, OMIM 615546.
Hennekam lymphangiectasia-lymphedema syndrome 2 (HKLLS2). Identifiers: Orphanet 2136, MedGen C4014939, MONDO:0014454, OMIM 616006.

Allele frequency attached by ClinVar (database versions not stated): TOPMed 0.35455; gnomAD 0.34175 and 0.34712; gnomAD exomes 0.36956 and 0.38530; ExAC 0.38052; ESP Exome Variant Server 0.33062; 1000 Genomes Project 0.38438.

Submissions (6):

Unidad de Genómica Garrahan, Hospital de Pediatría Garrahan
Classification: Benign. Last evaluated: 2024-01-24. Review status: criteria provided, single submitter. Criteria: ACMG Guidelines, 2015. Collection method: clinical testing. Allele origin: germline. Affected: no. Observed: 63 variant alleles.
Comment: This variant is classified as Benign based on local population frequency. This variant was detected in 66% of patients studied by a panel of primary immunodeficiencies. Number of patients: 63. Only high quality variants are reported.

Genome-Nilou Lab
Classification: Benign for Hennekam lymphangiectasia-lymphedema syndrome 2. Last evaluated: 2021-08-10. Review status: criteria provided, single submitter. Criteria: ACMG Guidelines, 2015. Collection method: clinical testing. Allele origin: germline. Affected: no.

Genome-Nilou Lab
Classification: Benign for Van Maldergem syndrome 2. Last evaluated: 2021-08-10. Review status: criteria provided, single submitter. Criteria: ACMG Guidelines, 2015. Collection method: clinical testing. Allele origin: germline. Affected: no.

Mayo Clinic Laboratories, Mayo Clinic
Classification: Benign. Last evaluated: 2021-04-07. Review status: criteria provided, single submitter. Criteria: ACMG Guidelines, 2015. Collection method: clinical testing. Allele origin: germline. Observed: 1 variant allele.

GeneDx
Classification: Benign. Last evaluated: 2018-06-14. Review status: criteria provided, single submitter. Criteria: GeneDx Variant Classification (06012015). Collection method: clinical testing. Allele origin: germline. Affected: yes.
Comment: This variant is considered likely benign or benign based on one or more of the following criteria: it is a conservative change, it occurs at a poorly conserved position in the protein, it is predicted to be benign by multiple in silico algorithms, and/or has population frequency not consistent with disease.

Breakthrough Genomics
Classification: Benign. Review status: criteria provided, single submitter. Criteria: ACMG Guidelines, 2015. Collection method: not provided. Allele origin: germline. Inheritance: Autosomal recessive inheritance. Affected: yes.